The following is an entry in ClinVar:

NM_003482.4(KMT2D):c.11895_11912del (p.Phe3966_Gln3971del)

Gene: KMT2D (lysine methyltransferase 2D; minus strand). Cytogenetic location: 12q13.12.
Variant type: Deletion.
Coding change: c.11895_11912del on transcript NM_003482.4 (MANE Select); coding-DNA positions 11895 to 11912, 18 bases deleted (GTTTCAACAGCAGCAGCA).
Protein change: p.Phe3966_Gln3971del.
Molecular consequence: inframe deletion. On other transcripts: inframe indel (1).
Genome position (GRCh38, 1-based): chr12:49,032,793-49,032,810, TGCTGCTGCTGTTGAAAC deleted on the plus strand (GTTTCAACAGCAGCAGCA on the coding strand, the reverse complement: KMT2D is on the minus strand); deleting any 18 consecutive bases within chr12:49,032,793-49,032,818 gives the same sequence; the c. name uses the placement nearest the transcript's 3' end. VCF-style (leftmost placement, unchanged base first): chr12-49032792-TTGCTGCTGCTGTTGAAAC-T. GRCh37 (hg19) VCF-style: chr12-49426575-TTGCTGCTGCTGTTGAAAC-T.
Other names: c.11895_11912del18 (NM_003482.3).
Identifiers: ClinVar variation 2632870 (VCV002632870.1), dbSNP rs2498359895, ClinGen allele CA2695199077.

ClinVar aggregate classification (germline): Uncertain significance (1 of 4 stars; one submission).

Conditions:
KMT2D-related disorder. Also called: KMT2D-Related Disorders.

Submission:

PreventionGenetics, part of Exact Sciences
Classification: Uncertain significance for KMT2D-related condition. Last evaluated: 2023-04-25. Review status: criteria provided, single submitter. Criteria: ACMG Guidelines, 2015. Collection method: clinical testing. Allele origin: germline.
Comment: The KMT2D c.11895_11912del18 variant is predicted to result in an in-frame deletion (p.Phe3966_Gln3971del). To our knowledge, this variant has not been reported in the literature or in a large population database, indicating this variant is rare. At this time, the clinical significance of this variant is uncertain due to the absence of conclusive functional and genetic evidence.